The following is an entry in ClinVar:

NM_001184880.2(PCDH19):c.1469A>G (p.Tyr490Cys)

Gene: PCDH19 (protocadherin 19; minus strand). Cytogenetic location: Xq22.1.
Variant type: single nucleotide variant.
Coding change: c.1469A>G on transcript NM_001184880.2 (MANE Select); coding-DNA position 1469, A replaced by G.
Protein change: p.Tyr490Cys; replaces tyrosine 490 with cysteine.
Molecular consequence: missense variant.
Genome position (GRCh38, 1-based): chrX:100,407,129, T>C on the plus strand (A>G on the coding strand, the complement: PCDH19 is on the minus strand). VCF-style: chrX-100407129-T-C. GRCh37 (hg19) VCF-style: chrX-99662127-T-C.
Other names: c.1469A>G, p.Tyr490Cys (NM_001105243.2, NM_020766.3); short protein forms Y490C.
Identifiers: ClinVar variation 806017 (VCV000806017.14), dbSNP rs1555985142, ClinGen allele CA414002661.

ClinVar aggregate classification (germline): Uncertain significance. Review status: criteria provided, single submitter (1 of 4 stars). 2 submissions from 2 submitters: Uncertain significance (1). 1 of the submissions does not count toward it. Last evaluated 2020-02-17.

Conditions:
Developmental and epileptic encephalopathy, 9 (DEE9). Also called: PCDH19-Related X-Linked Female-Limited Epilepsy with Mental Retardation; Early infantile epileptic encephalopathy 9; JUBERG-HELLMAN SYNDROME; EPILEPSY, FEMALE-RESTRICTED, WITH MENTAL RETARDATION. Identifiers: Orphanet 101039, Orphanet 2076, MedGen C1848137, MONDO:0010246, OMIM 300088. Disease mechanism: loss of function.
Glycine encephalopathy. Also called: Non-ketotic hyperglycinemia; Nonketotic hyperglycinemia. Identifiers: Orphanet 407, MedGen C0751748, MONDO:0011612, HP:0008288.

Submissions (2):

Labcorp Genetics (formerly Invitae), Labcorp
Classification: Uncertain significance for Developmental and epileptic encephalopathy, 9. Last evaluated: 2020-02-17. Review status: criteria provided, single submitter. Criteria: Invitae Variant Classification Sherloc (09022015). Collection method: clinical testing. Allele origin: germline.
Comment: This sequence change replaces tyrosine with cysteine at codon 490 of the PCDH19 protein (p.Tyr490Cys). The tyrosine residue is highly conserved and there is a large physicochemical difference between tyrosine and cysteine. This variant is not present in population databases (ExAC no frequency). This variant has not been reported in the literature in individuals with PCDH19-related conditions. Algorithms developed to predict the effect of missense changes on protein structure and function (SIFT, PolyPhen-2, Align-GVGD) all suggest that this variant is likely to be disruptive, but these predictions have not been confirmed by published functional studies and their clinical significance is uncertain. In summary, the available evidence is currently insufficient to determine the role of this variant in disease. Therefore, it has been classified as a Variant of Uncertain Significance.

Neurogenetics Research Program, University of Adelaide
Classification: Likely pathogenic for Developmental and epileptic encephalopathy, 9; Glycine encephalopathy 1. Last evaluated: 2019-12-20. Review status: no assertion criteria provided. Collection method: research. Allele origin: paternal. Affected: yes. Not counted in ClinVar's aggregate classification.